The following is an entry in ClinVar:

NM_000047.3(ARSL):c.760T>C (p.Phe254Leu)

Gene: ARSL (arylsulfatase L; minus strand). Cytogenetic location: Xp22.33.
Variant type: single nucleotide variant.
Coding change: c.760T>C on transcript NM_000047.3 (MANE Select); coding-DNA position 760, T replaced by C.
Protein change: p.Phe254Leu; replaces phenylalanine 254 with leucine.
Molecular consequence: missense variant.
Genome position (GRCh38, 1-based): chrX:2,949,398, A>G on the plus strand (T>C on the coding strand, the complement: ARSL is on the minus strand). VCF-style: chrX-2949398-A-G. GRCh37 (hg19) VCF-style: chrX-2867439-A-G.
Other names: c.835T>C, p.Phe279Leu (NM_001282628.2, NM_001369080.1); c.598T>C, p.Phe200Leu (NM_001282631.2, NM_001440750.1); c.787T>C, p.Phe263Leu (NM_001369079.1); c.760T>C, p.Phe254Leu (NM_001440751.1); short protein forms F200L, F254L, F263L, F279L.
Identifiers: ClinVar variation 4799656 (VCV004799656.1).

ClinVar aggregate classification (germline): Uncertain significance (1 of 4 stars; one submission).

Conditions:
Chondrodysplasia punctata, brachytelephalangic, autosomal. Also called: BRACHYTELEPHALANGIC CHONDRODYSPLASIA PUNCTATA. Identifiers: MedGen C1844853, MONDO:0011238, OMIM 602497.

Submission:

Labcorp Genetics (formerly Invitae), Labcorp
Classification: Uncertain significance for Chondrodysplasia punctata, brachytelephalangic, autosomal. Last evaluated: 2025-08-20. Review status: criteria provided, single submitter. Criteria: Invitae Variant Classification Sherloc (09022015). Collection method: clinical testing. Allele origin: germline.
Comment: This sequence change replaces phenylalanine, which is neutral and non-polar, with leucine, which is neutral and non-polar, at codon 254 of the ARSE protein (p.Phe254Leu). This variant is not present in population databases (gnomAD no frequency). This variant has not been reported in the literature in individuals affected with ARSE-related conditions. Invitae Evidence Modeling of protein sequence and biophysical properties (such as structural, functional, and spatial information, amino acid conservation, physicochemical variation, residue mobility, and thermodynamic stability) indicates that this missense variant is not expected to disrupt ARSE protein function with a negative predictive value of 80%. In summary, the available evidence is currently insufficient to determine the role of this variant in disease. Therefore, it has been classified as a Variant of Uncertain Significance.